The following is an entry in ClinVar:

NM_001429.4(EP300):c.2371G>A (p.Val791Met)

Gene: EP300 (EP300 lysine acetyltransferase; plus strand). Cytogenetic location: 22q13.2.
Variant type: single nucleotide variant.
Coding change: c.2371G>A on transcript NM_001429.4 (MANE Select); coding-DNA position 2371, G replaced by A.
Protein change: p.Val791Met; replaces valine 791 with methionine.
Molecular consequence: missense variant.
Genome position (GRCh38, 1-based): chr22:41,149,167, G>A. VCF-style: chr22-41149167-G-A. GRCh37 (hg19) VCF-style: chr22-41545171-G-A.
Other names: c.2293G>A, p.Val765Met (NM_001362843.2); short protein forms V765M, V791M.
Identifiers: ClinVar variation 4991380 (VCV004991380.1).

ClinVar aggregate classification (germline): Uncertain significance (1 of 4 stars; one submission).

Conditions:
EP300-related disorder. Also called: EP300-related condition; EP300-related disorders.

gnomAD v4.1: 2 of 1,613,882 alleles (0.00012%); highest among the groups gnomAD compares: East Asian, 0.0022%; no homozygotes.

Submission:

PreventionGenetics, part of Exact Sciences
Classification: Uncertain significance for EP300-related condition. Last evaluated: 2025-09-03. Review status: criteria provided, single submitter. Criteria: ACMG Guidelines, 2015. Collection method: clinical testing. Allele origin: germline.
Comment: The EP300 c.2371G>A variant is predicted to result in the amino acid substitution p.Val791Met. To our knowledge, this variant has not been reported in the literature or in a large population database (gnomAD), indicating this variant is rare. At this time, the clinical significance of this variant is uncertain due to the absence of conclusive functional and genetic evidence.